The following is an entry in ClinVar:

NM_000400.4(ERCC2):c.1091G>A (p.Arg364His)

Gene: ERCC2 (ERCC excision repair 2, TFIIH core complex helicase subunit; minus strand). Cytogenetic location: 19q13.32.
Variant type: single nucleotide variant.
Coding change: c.1091G>A on transcript NM_000400.4 (MANE Select); coding-DNA position 1091, G replaced by A.
Protein change: p.Arg364His; replaces arginine 364 with histidine.
Molecular consequence: missense variant.
Genome position (GRCh38, 1-based): chr19:45,363,770, C>T on the plus strand (G>A on the coding strand, the complement: ERCC2 is on the minus strand). VCF-style: chr19-45363770-C-T. GRCh37 (hg19) VCF-style: chr19-45867028-C-T.
Other names: c.1019G>A, p.Arg340His (NM_001130867.2); short protein forms R364H, R340H.
Identifiers: ClinVar variation 1789478 (VCV001789478.2), dbSNP rs759145034, ClinGen allele CA9513546.

ClinVar aggregate classification (germline): Uncertain significance (1 of 4 stars; one submission).

Conditions:
Inborn genetic diseases. Identifiers: MedGen C0950123, MeSH D030342.

Allele frequency attached by ClinVar (database versions not stated): gnomAD exomes below 0.00001; TOPMed 0.00001; ExAC 0.00017.
gnomAD v4.1: 5 of 1,537,022 alleles (0.00033%); highest among the groups gnomAD compares: Non-Finnish European, 0.00017%; no homozygotes.

Submission:

Ambry Genetics
Classification: Uncertain significance for Inborn genetic diseases. Last evaluated: 2021-10-30. Review status: criteria provided, single submitter. Criteria: Ambry Variant Classification Scheme 2023. Collection method: clinical testing. Allele origin: germline.
Comment: The p.R364H variant (also known as c.1091G>A), located in coding exon 11 of the ERCC2 gene, results from a G to A substitution at nucleotide position 1091. The arginine at codon 364 is replaced by histidine, an amino acid with highly similar properties. This amino acid position is conserved. In addition, this alteration is predicted to be tolerated by in silico analysis. Since supporting evidence is limited at this time, the clinical significance of this alteration remains unclear.